The following is an entry in ClinVar:

NM_016507.4(CDK12):c.3569C>T (p.Pro1190Leu)

Gene: CDK12 (cyclin dependent kinase 12; plus strand). Cytogenetic location: 17q12.
Variant type: single nucleotide variant.
Coding change: c.3569C>T on transcript NM_016507.4 (MANE Select); coding-DNA position 3569, C replaced by T.
Protein change: p.Pro1190Leu; replaces proline 1190 with leucine.
Molecular consequence: missense variant.
Genome position (GRCh38, 1-based): chr17:39,526,125, C>T. VCF-style: chr17-39526125-C-T. GRCh37 (hg19) VCF-style: chr17-37682378-C-T.
Other names: c.3569C>T, p.Pro1190Leu (NM_015083.4); short protein forms P1190L.
Identifiers: ClinVar variation 3830462 (VCV003830462.1).
Genomic context (GRCh38, chr17:39,526,125, plus strand): 5'-CAGAGACCATGGCCCCAGAGGAGTCTTTGAAGGAAGCACCCTCTGCCCCAGTGATCCTGC[C>T]TTCAGCAGAACAGACGACCCTTGAAGCTTCAAGCACACCAGCTGACATGCAGAATATATT-3'
Protein context (NP_057591.2, residues 1180-1200): KEAPSAPVIL[Pro1190Leu]SAEQTTLEAS

ClinVar aggregate classification (germline): Uncertain significance (1 of 4 stars; one submission).

Submission:

Ambry Genetics
Classification: Uncertain significance. Last evaluated: 2025-01-06. Review status: criteria provided, single submitter. Criteria: Ambry Variant Classification Scheme 2023. Collection method: clinical testing. Allele origin: germline.
Comment: The p.P1190L variant (also known as c.3569C>T), located in coding exon 13 of the CDK12 gene, results from a C to T substitution at nucleotide position 3569. The proline at codon 1190 is replaced by leucine, an amino acid with similar properties. This amino acid position is conserved. In addition, this alteration is predicted to be tolerated by in silico analysis. Based on the available evidence, the clinical significance of this variant remains unclear.